The following is an entry in ClinVar:

ClinVar aggregate classification (germline): Uncertain significance (1 of 4 stars; one submission).

Allele frequency attached by ClinVar (database versions not stated): gnomAD exomes below 0.00001.
gnomAD v4.1: 2 of 1,613,906 alleles (0.00012%); highest among the groups gnomAD compares: Non-Finnish European, 0.000085%; no homozygotes.

Submission:

Labcorp Genetics (formerly Invitae), Labcorp
Classification: Uncertain significance. Last evaluated: 2023-02-01. Review status: criteria provided, single submitter. Criteria: Invitae Variant Classification Sherloc (09022015). Collection method: clinical testing. Allele origin: germline.
Comment: This sequence change replaces glycine, which is neutral and non-polar, with arginine, which is basic and polar, at codon 648 of the DSG1 protein (p.Gly648Arg). This variant is not present in population databases (gnomAD no frequency). This variant has not been reported in the literature in individuals affected with DSG1-related conditions. Advanced modeling of protein sequence and biophysical properties (such as structural, functional, and spatial information, amino acid conservation, physicochemical variation, residue mobility, and thermodynamic stability) performed at Invitae indicates that this missense variant is not expected to disrupt DSG1 protein function. In summary, the available evidence is currently insufficient to determine the role of this variant in disease. Therefore, it has been classified as a Variant of Uncertain Significance.

NM_001942.4(DSG1):c.1942G>A (p.Gly648Arg)

Genes: DSG1 (desmoglein 1; plus strand), DSG1-AS1 (DSG1 antisense RNA 1; minus strand). Cytogenetic location: 18q12.1.
Variant type: single nucleotide variant.
Coding change: c.1942G>A on transcript NM_001942.4 (MANE Select); coding-DNA position 1942, G replaced by A.
Protein change: p.Gly648Arg; replaces glycine 648 with arginine.
Molecular consequence: missense variant.
Genome position (GRCh38, 1-based): chr18:31,346,040, G>A. VCF-style: chr18-31346040-G-A. GRCh37 (hg19) VCF-style: chr18-28926003-G-A.
Other names: short protein forms G648R.
Identifiers: ClinVar variation 2990580 (VCV002990580.3), dbSNP rs2510839695, ClinGen allele CA402118703.